The following is an entry in ClinVar:

NM_001082486.2(ACD):c.476C>A (p.Ser159Tyr)

Gene: ACD (ACD shelterin complex subunit and telomerase recruitment factor; minus strand). Cytogenetic location: 16q22.1.
Variant type: single nucleotide variant.
Coding change: c.476C>A on transcript NM_001082486.2 (MANE Select); coding-DNA position 476, C replaced by A.
Protein change: p.Ser159Tyr; replaces serine 159 with tyrosine.
Molecular consequence: missense variant.
Genome position (GRCh38, 1-based): chr16:67,659,246, G>T on the plus strand (C>A on the coding strand, the complement: ACD is on the minus strand). VCF-style: chr16-67659246-G-T. GRCh37 (hg19) VCF-style: chr16-67693149-G-T.
Other names: c.476C>A, p.Ser159Tyr (NM_001410884.1); c.467C>A, p.Ser156Tyr (NM_022914.3); short protein forms S159Y, S156Y.
Identifiers: ClinVar variation 3480352 (VCV003480352.1).

ClinVar aggregate classification (germline): Uncertain significance (1 of 4 stars; one submission).

Conditions:
Inborn genetic diseases. Identifiers: MedGen C0950123, MeSH D030342.

Submission:

Ambry Genetics
Classification: Uncertain significance for Inborn genetic diseases. Last evaluated: 2024-10-05. Review status: criteria provided, single submitter. Criteria: Ambry Variant Classification Scheme 2023. Collection method: clinical testing. Allele origin: germline.
Comment: The p.S245Y variant (also known as c.734C>A), located in coding exon 6 of the ACD gene, results from a C to A substitution at nucleotide position 734. The serine at codon 245 is replaced by tyrosine, an amino acid with dissimilar properties. This amino acid position is conserved. In addition, this alteration is predicted to be tolerated by in silico analysis. Based on the available evidence, the clinical significance of this variant remains unclear.